The following is an entry in ClinVar:

ClinVar aggregate classification (germline): Likely benign (1 of 4 stars; one submission).

Allele frequency attached by ClinVar (database versions not stated): 1000 Genomes Project 0.00479; 1000 Genomes Project 30x 0.00531; TOPMed 0.00973; gnomAD 0.01379 and 0.01416; gnomAD exomes 0.01630.
gnomAD v4.1: 14,751 of 936,458 alleles (1.6%); highest among the groups gnomAD compares: Non-Finnish European, 1.8%; 176 homozygotes.

Submission:

GeneDx
Classification: Likely benign. Last evaluated: 2018-06-18. Review status: criteria provided, single submitter. Criteria: GeneDx Variant Classification (06012015). Collection method: clinical testing. Allele origin: germline. Affected: yes.
Comment: This variant is considered likely benign or benign based on one or more of the following criteria: it is a conservative change, it occurs at a poorly conserved position in the protein, it is predicted to be benign by multiple in silico algorithms, and/or has population frequency not consistent with disease.

NM_003098.3(SNTA1):c.496+111G>A

Gene: SNTA1 (syntrophin alpha 1; minus strand). Cytogenetic location: 20q11.21.
Variant type: single nucleotide variant.
Coding change: c.496+111G>A on transcript NM_003098.3 (MANE Select); 111 bases into the intron after coding-DNA position 496, G replaced by A.
Molecular consequence: intron variant.
Genome position (GRCh38, 1-based): chr20:33,438,730, C>T on the plus strand (G>A on the coding strand, the complement: SNTA1 is on the minus strand). VCF-style: chr20-33438730-C-T. GRCh37 (hg19) VCF-style: chr20-32026536-C-T.
Identifiers: ClinVar variation 675819 (VCV000675819.1), dbSNP rs180921012, ClinGen allele CA313275543.